The following is an entry in ClinVar:

ClinVar aggregate classification (germline): Likely benign (1 of 4 stars; one submission).

gnomAD v4.1: 14 of 1,209,008 alleles (0.0012%); highest among the groups gnomAD compares: East Asian, 0.003%; no homozygotes.

Submission:

CeGaT Center for Human Genetics Tuebingen
Classification: Likely benign. Last evaluated: 2025-12-01. Review status: criteria provided, single submitter. Criteria: CeGaT Center For Human Genetics Tuebingen Variant Classification Criteria Version 2. Collection method: clinical testing. Allele origin: germline. Affected: yes. Observed: 1 variant allele.
Comment: DDX3X: BP4, BS2

NM_001356.5(DDX3X):c.1398C>T (p.Tyr466=)

Gene: DDX3X (DEAD-box helicase 3 X-linked; plus strand). Cytogenetic location: Xp11.4.
Variant type: single nucleotide variant.
Coding change: c.1398C>T on transcript NM_001356.5 (MANE Select); coding-DNA position 1398, C replaced by T.
Protein change: p.Tyr466=; no amino-acid change (tyrosine 466 retained).
Molecular consequence: synonymous variant. On other transcripts: non-coding transcript variant (1).
Genome position (GRCh38, 1-based): chrX:41,346,311, C>T. VCF-style: chrX-41346311-C-T. GRCh37 (hg19) VCF-style: chrX-41205564-C-T.
Other names: c.1398C>T, p.Tyr466= (NM_001193416.3); c.1350C>T, p.Tyr450= (NM_001193417.3); c.840C>T, p.Tyr280= (NM_001363819.1).
Identifiers: ClinVar variation 4681367 (VCV004681367.5).